The following is an entry in ClinVar:

ClinVar aggregate classification (germline): Uncertain significance (1 of 4 stars; one submission).

Conditions:
Primary ciliary dyskinesia. Also called: Ciliary dyskinesia. Identifiers: Orphanet 244, MedGen C0008780, MONDO:0016575, HP:0012265.

Allele frequency attached by ClinVar (database versions not stated): TOPMed below 0.00001; gnomAD 0.00001; gnomAD exomes 0.00001; ExAC 0.00004.
gnomAD v4.1: 15 of 1,611,518 alleles (0.00093%); highest among the groups gnomAD compares: Non-Finnish European, 0.0013%; no homozygotes.

Submission:

Labcorp Genetics (formerly Invitae), Labcorp
Classification: Uncertain significance for Primary ciliary dyskinesia. Last evaluated: 2020-10-05. Review status: criteria provided, single submitter. Criteria: Invitae Variant Classification Sherloc (09022015). Collection method: clinical testing. Allele origin: germline.
Comment: In summary, the available evidence is currently insufficient to determine the role of this variant in disease. Therefore, it has been classified as a Variant of Uncertain Significance. Algorithms developed to predict the effect of missense changes on protein structure and function output the following: SIFT: "Tolerated"; PolyPhen-2: "Benign"; Align-GVGD: "Class C0". The serine amino acid residue is found in multiple mammalian species, suggesting that this missense change does not adversely affect protein function. These predictions have not been confirmed by published functional studies and their clinical significance is uncertain. This variant has not been reported in the literature in individuals with ZMYND10-related conditions. This variant is present in population databases (rs768120521, ExAC 0.007%). This sequence change replaces proline with serine at codon 273 of the ZMYND10 protein (p.Pro273Ser). The proline residue is highly conserved and there is a moderate physicochemical difference between proline and serine.

NM_015896.4(ZMYND10):c.817C>T (p.Pro273Ser)

Gene: ZMYND10 (zinc finger MYND-type containing 10; minus strand). Cytogenetic location: 3p21.31.
Variant type: single nucleotide variant.
Coding change: c.817C>T on transcript NM_015896.4 (MANE Select); coding-DNA position 817, C replaced by T.
Protein change: p.Pro273Ser; replaces proline 273 with serine.
Molecular consequence: missense variant.
Genome position (GRCh38, 1-based): chr3:50,342,453, G>A on the plus strand (C>T on the coding strand, the complement: ZMYND10 is on the minus strand). VCF-style: chr3-50342453-G-A. GRCh37 (hg19) VCF-style: chr3-50379884-G-A.
Other names: c.802C>T, p.Pro268Ser (NM_001308379.2); short protein forms P268S, P273S.
Identifiers: ClinVar variation 1052577 (VCV001052577.3), dbSNP rs768120521, ClinGen allele CA2417081.